The following is an entry in ClinVar:

NM_001367624.2(ZNF469):c.1144G>A (p.Glu382Lys)

Gene: ZNF469 (zinc finger protein 469; plus strand). Cytogenetic location: 16q24.2.
Variant type: single nucleotide variant.
Coding change: c.1144G>A on transcript NM_001367624.2 (MANE Select); coding-DNA position 1144, G replaced by A.
Protein change: p.Glu382Lys; replaces glutamic acid 382 with lysine.
Molecular consequence: missense variant.
Genome position (GRCh38, 1-based): chr16:88,428,614, G>A. VCF-style: chr16-88428614-G-A. GRCh37 (hg19) VCF-style: chr16-88495022-G-A.
Other names: NM_001127464.1:c.1144G>A; NM_001127464.2:c.1144G>A; short protein forms E382K.
Identifiers: ClinVar variation 2537113 (VCV002537113.6), dbSNP rs1003226456, ClinGen allele CA286372448.
Genomic context (GRCh38, chr16:88,428,614, plus strand): 5'-CACTCGGCCCCGAGACCCTTCTCTGACAGTTTACACAAGAGCCTGACCAAAATCCTTCCC[G>A]AAAGACCACCTTCAGCCCAGGATGGGCTGGGGAGCACGAGAGGGCCCCCTAGCTCCCTAC-3'
Protein context (NP_001354553.1, residues 372-392): LHKSLTKILP[Glu382Lys]RPPSAQDGLG

ClinVar aggregate classification (germline): Conflicting classifications of pathogenicity. Review status: criteria provided, conflicting classifications (1 of 4 stars). 4 submissions from 4 submitters: Uncertain significance (3); Likely benign (1). Last evaluated 2025-11-01.

Conditions:
ZNF469-related disorder. Also called: ZNF469-related condition.
Cardiovascular phenotype. Identifiers: MedGen CN230736.

Allele frequency attached by ClinVar (database versions not stated): gnomAD 0.00007; TOPMed 0.00009.
gnomAD v4.1: 38 of 1,550,096 alleles (0.0025%); highest among the groups gnomAD compares: African/African-American, 0.026%; no homozygotes.

Submissions (4):

Labcorp Genetics (formerly Invitae), Labcorp
Classification: Uncertain significance. Last evaluated: 2025-11-01. Review status: criteria provided, single submitter. Criteria: Invitae Variant Classification Sherloc (09022015). Collection method: clinical testing. Allele origin: germline.
Comment: This sequence change replaces glutamic acid, which is acidic and polar, with lysine, which is basic and polar, at codon 382 of the ZNF469 protein (p.Glu382Lys). This variant is present in population databases (no rsID available, gnomAD 0.04%). This variant has not been reported in the literature in individuals affected with ZNF469-related conditions. ClinVar contains an entry for this variant (Variation ID: 2537113). An algorithm developed to predict the effect of missense changes on protein structure and function outputs the following: PolyPhen-2: "Benign". The lysine amino acid residue is found in multiple mammalian species, which suggests that this missense change does not adversely affect protein function. In summary, the available evidence is currently insufficient to determine the role of this variant in disease. Therefore, it has been classified as a Variant of Uncertain Significance.

Women's Health and Genetics/Laboratory Corporation of America, LabCorp
Classification: Uncertain significance. Last evaluated: 2025-10-28. Review status: criteria provided, single submitter. Criteria: LabCorp Variant Classification Summary - May 2015. Collection method: clinical testing. Allele origin: germline.
Comment: Variant summary: ZNF469 c.1144G>A (p.Glu382Lys) results in a conservative amino acid change in the encoded protein sequence. Algorithms developed to predict the effect of missense changes on protein structure and function are either unavailable or do not agree on the potential impact of this missense change. The variant allele was found at a frequency of 2e-05 in 150304 control chromosomes. The available data on variant occurrences in the general population are insufficient to allow any conclusion about variant significance. To our knowledge, no occurrence of c.1144G>A in individuals affected with ZNF469-related conditions and no experimental evidence demonstrating its impact on protein function have been reported. ClinVar contains an entry for this variant (Variation ID: 2537113). Based on the evidence outlined above, the variant was classified as uncertain significance.

PreventionGenetics, part of Exact Sciences
Classification: Uncertain significance for ZNF469-related condition. Last evaluated: 2025-09-04. Review status: criteria provided, single submitter. Criteria: ACMG Guidelines, 2015. Collection method: clinical testing. Allele origin: germline.
Comment: The ZNF469 c.1144G>A variant is predicted to result in the amino acid substitution p.Glu382Lys. To our knowledge, this variant has not been reported in the literature. This variant is reported in 0.038% of alleles in individuals of African descent in gnomAD. At this time, the clinical significance of this variant is uncertain due to the absence of conclusive functional and genetic evidence.

Ambry Genetics
Classification: Likely benign for Cardiovascular phenotype. Last evaluated: 2023-06-05. Review status: criteria provided, single submitter. Criteria: Ambry Variant Classification Scheme 2023. Collection method: clinical testing. Allele origin: germline.